The following is an entry in ClinVar:

NM_000548.5(TSC2):c.3992A>C (p.Asp1331Ala)

Gene: TSC2 (TSC complex subunit 2; plus strand). Cytogenetic location: 16p13.3.
Variant type: single nucleotide variant.
Coding change: c.3992A>C on transcript NM_000548.5 (MANE Select); coding-DNA position 3992, A replaced by C.
Protein change: p.Asp1331Ala; replaces aspartic acid 1331 with alanine.
Molecular consequence: missense variant. On other transcripts: non-coding transcript variant (5).
Genome position (GRCh38, 1-based): chr16:2,083,803, A>C. VCF-style: chr16-2083803-A-C. GRCh37 (hg19) VCF-style: chr16-2133804-A-C.
Other names: c.3791A>C, p.Asp1264Ala (NM_001077183.3); c.3923A>C, p.Asp1308Ala (NM_001114382.3); c.3683A>C, p.Asp1228Ala (NM_001318827.2); c.3647A>C, p.Asp1216Ala (NM_001318829.2); c.3260A>C, p.Asp1087Ala (NM_001318831.2); c.3824A>C, p.Asp1275Ala (NM_001318832.2); c.3794A>C, p.Asp1265Ala (NM_001363528.2); c.3860A>C, p.Asp1287Ala (NM_001370404.1); and 26 more; short protein forms D1111A, D1228A, D1245A, D1259A, D1260A, D1271A, D1287A, D1294A.
Identifiers: ClinVar variation 2830521 (VCV002830521.3), dbSNP rs2090433367, ClinGen allele CA394297746.

ClinVar aggregate classification (germline): Uncertain significance (1 of 4 stars; one submission).

Conditions:
Tuberous sclerosis 2 (TSC2). Identifiers: Orphanet 805, MedGen C1860707, MONDO:0013199, OMIM 613254.

Submission:

Labcorp Genetics (formerly Invitae), Labcorp
Classification: Uncertain significance for Tuberous sclerosis 2. Last evaluated: 2023-01-25. Review status: criteria provided, single submitter. Criteria: Invitae Variant Classification Sherloc (09022015). Collection method: clinical testing. Allele origin: germline.
Comment: This sequence change replaces aspartic acid, which is acidic and polar, with alanine, which is neutral and non-polar, at codon 1331 of the TSC2 protein (p.Asp1331Ala). In summary, the available evidence is currently insufficient to determine the role of this variant in disease. Therefore, it has been classified as a Variant of Uncertain Significance. Advanced modeling of protein sequence and biophysical properties (such as structural, functional, and spatial information, amino acid conservation, physicochemical variation, residue mobility, and thermodynamic stability) performed at Invitae indicates that this missense variant is not expected to disrupt TSC2 protein function. This variant has not been reported in the literature in individuals affected with TSC2-related conditions. This variant is not present in population databases (gnomAD no frequency).